The following is an entry in ClinVar:

NM_002878.4(RAD51D):c.409T>G (p.Ser137Ala)

Genes: RAD51D (RAD51 paralog D; minus strand), RAD51L3-RFFL (RAD51L3-RFFL readthrough; minus strand). Cytogenetic location: 17q12.
Variant type: single nucleotide variant.
Coding change: c.409T>G on transcript NM_002878.4 (MANE Select); coding-DNA position 409, T replaced by G.
Protein change: p.Ser137Ala; replaces serine 137 with alanine.
Molecular consequence: missense variant. On other transcripts: non-coding transcript variant (1), intron variant (1).
Genome position (GRCh38, 1-based): chr17:35,107,059, A>C on the plus strand (T>G on the coding strand, the complement: RAD51D is on the minus strand). VCF-style: chr17-35107059-A-C. GRCh37 (hg19) VCF-style: chr17-33434078-A-C.
Other names: c.469T>G, p.Ser157Ala (NM_001142571.2); c.145-578T>G (NM_133629.3); short protein forms S137A, S157A.
Identifiers: ClinVar variation 472606 (VCV000472606.18), dbSNP rs1555568327, ClinGen allele CA399089278.

ClinVar aggregate classification (germline): Uncertain significance. Review status: criteria provided, multiple submitters, no conflicts (2 of 4 stars). 3 submissions from 3 submitters: Uncertain significance (3). Last evaluated 2025-12-14.

Conditions:
Hereditary cancer-predisposing syndrome. Also called: Neoplastic Syndromes, Hereditary; Tumor predisposition; Hereditary Cancer Syndrome; Hereditary neoplastic syndrome. Identifiers: Orphanet 140162, MedGen C0027672, MeSH D009386, MONDO:0015356.
Breast-ovarian cancer, familial, susceptibility to, 4. Identifiers: Orphanet 145, MedGen C3280345, MONDO:0013669, OMIM 614291.

Allele frequency attached by ClinVar (database versions not stated): gnomAD exomes below 0.00001.
gnomAD v4.1: 2 of 1,614,078 alleles (0.00012%); highest among the groups gnomAD compares: Non-Finnish European, 0.00017%; no homozygotes.

Submissions (3):

Ambry Genetics
Classification: Uncertain significance for Hereditary cancer-predisposing syndrome. Last evaluated: 2025-12-14. Review status: criteria provided, single submitter. Criteria: Ambry Variant Classification Scheme 2023. Collection method: clinical testing. Allele origin: germline.
Comment: The p.S137A variant (also known as c.409T>G), located in coding exon 5 of the RAD51D gene, results from a T to G substitution at nucleotide position 409. The serine at codon 137 is replaced by alanine, an amino acid with similar properties. This amino acid position is highly conserved in available vertebrate species. In addition, the in silico prediction for this alteration is inconclusive. Since supporting evidence is limited at this time, the clinical significance of this alteration remains unclear.

Labcorp Genetics (formerly Invitae), Labcorp
Classification: Uncertain significance for Breast-ovarian cancer, familial, susceptibility to, 4. Last evaluated: 2025-12-10. Review status: criteria provided, single submitter. Criteria: Invitae Variant Classification Sherloc (09022015). Collection method: clinical testing. Allele origin: germline.
Comment: This sequence change replaces serine, which is neutral and polar, with alanine, which is neutral and non-polar, at codon 137 of the RAD51D protein (p.Ser137Ala). This variant is not present in population databases (gnomAD no frequency). This variant has not been reported in the literature in individuals affected with RAD51D-related conditions. ClinVar contains an entry for this variant (Variation ID: 472606). Invitae Evidence Modeling of protein sequence and biophysical properties (such as structural, functional, and spatial information, amino acid conservation, physicochemical variation, residue mobility, and thermodynamic stability) indicates that this missense variant is not expected to disrupt RAD51D protein function with a negative predictive value of 80%. In summary, the available evidence is currently insufficient to determine the role of this variant in disease. Therefore, it has been classified as a Variant of Uncertain Significance.

Color Diagnostics, LLC DBA Color Health
Classification: Uncertain significance for Hereditary cancer-predisposing syndrome. Last evaluated: 2023-12-05. Review status: criteria provided, single submitter. Criteria: ACMG Guidelines, 2015. Collection method: clinical testing. Allele origin: germline.
Comment: This missense variant replaces serine with alanine at codon 137 of the RAD51D protein. Computational prediction suggests that this variant may not impact protein structure and function (internally defined REVEL score threshold <= 0.5, PMID: 27666373). To our knowledge, functional studies have not been reported for this variant. This variant has not been reported in individuals affected with RAD51D-related disorders in the literature. This variant has not been identified in the general population by the Genome Aggregation Database (gnomAD). The available evidence is insufficient to determine the role of this variant in disease conclusively. Therefore, this variant is classified as a Variant of Uncertain Significance.